The following is an entry in ClinVar:

ClinVar aggregate classification (germline): Likely benign (1 of 4 stars; one submission).

Conditions:
PPP1R9B-related disorder. Also called: PPP1R9B-related condition.

Allele frequency attached by ClinVar (database versions not stated): gnomAD exomes below 0.00001.
gnomAD v4.1: 1 of 1,410,200 alleles (0.000071%); highest among the groups gnomAD compares: Non-Finnish European, 0.000092%; no homozygotes.

Submission:

PreventionGenetics, part of Exact Sciences
Classification: Likely benign for PPP1R9B-related condition. Last evaluated: 2021-04-27. Review status: criteria provided, single submitter. Criteria: ACMG Guidelines, 2015. Collection method: clinical testing. Allele origin: germline.
Comment: This variant is classified as likely benign based on ACMG/AMP sequence variant interpretation guidelines (Richards et al. 2015 PMID: 25741868, with internal and published modifications).

NM_032595.5(PPP1R9B):c.753C>T (p.Phe251=)

Gene: PPP1R9B (protein phosphatase 1 regulatory subunit 9B; minus strand). Cytogenetic location: 17q21.33.
Variant type: single nucleotide variant.
Coding change: c.753C>T on transcript NM_032595.5 (MANE Select); coding-DNA position 753, C replaced by T.
Protein change: p.Phe251=; no amino-acid change (phenylalanine 251 retained).
Molecular consequence: synonymous variant.
Genome position (GRCh38, 1-based): chr17:50,149,761, G>A on the plus strand (C>T on the coding strand, the complement: PPP1R9B is on the minus strand). VCF-style: chr17-50149761-G-A. GRCh37 (hg19) VCF-style: chr17-48227126-G-A.
Identifiers: ClinVar variation 3030274 (VCV003030274.1), dbSNP rs2509100059, ClinGen allele CA500990827.